The following is an entry in ClinVar:

NM_198859.4(PRICKLE2):c.*2797A>T

Genes: PRICKLE2 (prickle planar cell polarity protein 2; minus strand), PRICKLE2-AS1 (PRICKLE2 antisense RNA 1; plus strand). Cytogenetic location: 3p14.1.
Variant type: single nucleotide variant.
Coding change: c.*2797A>T on transcript NM_198859.4 (MANE Select); 2797 bases downstream of the stop codon, A replaced by T.
Molecular consequence: 3 prime UTR variant.
Genome position (GRCh38, 1-based): chr3:64,096,254, T>A on the plus strand (A>T on the coding strand, the complement: PRICKLE2 is on the minus strand). VCF-style: chr3-64096254-T-A. GRCh37 (hg19) VCF-style: chr3-64081930-T-A.
Other names: c.*2797A>T (NM_001370528.1).
Identifiers: ClinVar variation 346436 (VCV000346436.6), dbSNP rs35969433, ClinGen allele CA10617271.

ClinVar aggregate classification (germline): Benign. Review status: criteria provided, multiple submitters, no conflicts (2 of 4 stars). 2 submissions from 2 submitters: Benign (2). Last evaluated 2018-01-12.

Conditions:
Progressive myoclonic epilepsy. Also called: Progressive myoclonus epilepsy; Familial progressive myoclonic epilepsy; Myoclonus epilepsy; Myoclonic Epilepsies, Progressive. Identifiers: Orphanet 308, Orphanet 98261, MedGen C0751778, MONDO:0020074.

Allele frequency attached by ClinVar (database versions not stated): 1000 Genomes Project 0.14377; 1000 Genomes Project 30x 0.14553; TOPMed 0.18491; gnomAD 0.18557 and 0.18706; gnomAD exomes 0.25000.
gnomAD v4.1: 28,383 of 152,208 alleles (19%); highest among the groups gnomAD compares: Non-Finnish European, 26%; 3,330 homozygotes.

Submissions (2):

Illumina Laboratory Services, Illumina
Classification: Benign for Progressive myoclonic epilepsy. Last evaluated: 2018-01-12. Review status: criteria provided, single submitter. Criteria: ICSL Variant Classification Criteria 13 December 2019. Collection method: clinical testing. Allele origin: germline.
Comment: This variant was observed in the ICSL laboratory as part of a predisposition screen in an ostensibly healthy population. It had not been previously curated by ICSL or reported in the Human Gene Mutation Database (HGMD: prior to June 1st, 2018), and was therefore a candidate for classification through an automated scoring system. Utilizing variant allele frequency, disease prevalence and penetrance estimates, and inheritance mode, an automated score was calculated to assess if this variant is too frequent to cause the disease. Based on the score and internal cut-off values, a variant classified as benign is not then subjected to further curation. The score for this variant resulted in a classification of benign for this disease.

Breakthrough Genomics
Classification: Benign. Review status: criteria provided, single submitter. Criteria: ACMG Guidelines, 2015. Collection method: not provided. Allele origin: germline. Inheritance: Unknown mechanism. Affected: yes.